The following is an entry in ClinVar:

ClinVar aggregate classification (germline): Uncertain significance (1 of 4 stars; one submission).

Conditions:
Nephronophthisis 9 (NPHP9). Identifiers: Orphanet 655, MedGen C3151188, MONDO:0013444, OMIM 613824.

gnomAD v4.1: 10 of 1,614,100 alleles (0.00062%); highest among the groups gnomAD compares: Non-Finnish European, 0.00085%; no homozygotes.

Submission:

Labcorp Genetics (formerly Invitae), Labcorp
Classification: Uncertain significance for Nephronophthisis 9. Last evaluated: 2025-04-24. Review status: criteria provided, single submitter. Criteria: Invitae Variant Classification Sherloc (09022015). Collection method: clinical testing. Allele origin: germline.
Comment: This sequence change replaces histidine, which is basic and polar, with arginine, which is basic and polar, at codon 675 of the NEK8 protein (p.His675Arg). This variant is present in population databases (no rsID available, gnomAD 0.0009%). This variant has not been reported in the literature in individuals affected with NEK8-related conditions. An algorithm developed to predict the effect of missense changes on protein structure and function (PolyPhen-2) suggests that this variant is likely to be disruptive. In summary, the available evidence is currently insufficient to determine the role of this variant in disease. Therefore, it has been classified as a Variant of Uncertain Significance.

NM_178170.3(NEK8):c.2024A>G (p.His675Arg)

Gene: NEK8 (NIMA related kinase 8; plus strand). Cytogenetic location: 17q11.2.
Variant type: single nucleotide variant.
Coding change: c.2024A>G on transcript NM_178170.3 (MANE Select); coding-DNA position 2024, A replaced by G.
Protein change: p.His675Arg; replaces histidine 675 with arginine.
Molecular consequence: missense variant.
Genome position (GRCh38, 1-based): chr17:28,741,545, A>G. VCF-style: chr17-28741545-A-G. GRCh37 (hg19) VCF-style: chr17-27068563-A-G.
Other names: short protein forms H675R.
Identifiers: ClinVar variation 4701538 (VCV004701538.1).